The following is an entry in ClinVar:

NM_176787.5(PIGN):c.404G>A (p.Ser135Asn)

Gene: PIGN (phosphatidylinositol glycan anchor biosynthesis class N; minus strand). Cytogenetic location: 18q21.33.
Variant type: single nucleotide variant.
Coding change: c.404G>A on transcript NM_176787.5 (MANE Select); coding-DNA position 404, G replaced by A.
Protein change: p.Ser135Asn; replaces serine 135 with asparagine.
Molecular consequence: missense variant.
Genome position (GRCh38, 1-based): chr18:62,157,167, C>T on the plus strand (G>A on the coding strand, the complement: PIGN is on the minus strand). VCF-style: chr18-62157167-C-T. GRCh37 (hg19) VCF-style: chr18-59824400-C-T.
Other names: c.404G>A, p.Ser135Asn (NM_012327.6); short protein forms S135N.
Identifiers: ClinVar variation 1419180 (VCV001419180.3), dbSNP rs2036766943, ClinGen allele CA402603261.

ClinVar aggregate classification (germline): Uncertain significance (1 of 4 stars; one submission).

Conditions:
Multiple congenital anomalies-hypotonia-seizures syndrome 1 (MCAHS1). Also called: PIGN-CDG; Congenital disorder of glycosylation due to PIGN deficiency; GLYCOSYLPHOSPHATIDYLINOSITOL BIOSYNTHESIS DEFECT 3. Identifiers: Orphanet 280633, MedGen C3279775, MONDO:0013563, OMIM 614080.

Submission:

Labcorp Genetics (formerly Invitae), Labcorp
Classification: Uncertain significance for Multiple congenital anomalies-hypotonia-seizures syndrome 1. Last evaluated: 2021-10-05. Review status: criteria provided, single submitter. Criteria: Invitae Variant Classification Sherloc (09022015). Collection method: clinical testing. Allele origin: germline.
Comment: This sequence change replaces serine with asparagine at codon 135 of the PIGN protein (p.Ser135Asn). The serine residue is moderately conserved and there is a small physicochemical difference between serine and asparagine. This variant is not present in population databases (ExAC no frequency). This variant has not been reported in the literature in individuals affected with PIGN-related conditions. Algorithms developed to predict the effect of missense changes on protein structure and function are either unavailable or do not agree on the potential impact of this missense change (SIFT: "Not Available"; PolyPhen-2: "Possibly Damaging"; Align-GVGD: "Not Available"). In summary, the available evidence is currently insufficient to determine the role of this variant in disease. Therefore, it has been classified as a Variant of Uncertain Significance.